The following is an entry in ClinVar:

ClinVar aggregate classification (germline): Uncertain significance (1 of 4 stars; one submission).

Conditions:
Haddad syndrome (OHD). Also called: Ondine-Hirschsprung disease. Identifiers: Orphanet 99803, MedGen C1859049, MONDO:0020493.

Submission:

Labcorp Genetics (formerly Invitae), Labcorp
Classification: Uncertain significance for Haddad syndrome. Last evaluated: 2021-01-03. Review status: criteria provided, single submitter. Criteria: Invitae Variant Classification Sherloc (09022015). Collection method: clinical testing. Allele origin: germline.
Comment: In summary, the available evidence is currently insufficient to determine the role of this variant in disease. Therefore, it has been classified as a Variant of Uncertain Significance. Nucleotide substitutions within the consensus splice site are a relatively common cause of aberrant splicing (PMID: 17576681, 9536098). Algorithms developed to predict the effect of sequence changes on RNA splicing suggest that this variant may disrupt the consensus splice site, but this prediction has not been confirmed by published transcriptional studies. This variant has not been reported in the literature in individuals with PHOX2B-related conditions. This variant is not present in population databases (ExAC no frequency). This sequence change affects an acceptor splice site in intron 2 of the PHOX2B gene. While this variant is not anticipated to result in nonsense mediated decay, it likely alters RNA splicing and results in a disrupted protein product.

Literature cited by the submitters: PubMed 17576681; PubMed 9536098.

NM_003924.4(PHOX2B):c.430-2A>G

Gene: PHOX2B (paired like homeobox 2B; minus strand). Cytogenetic location: 4p13.
Variant type: single nucleotide variant.
Coding change: c.430-2A>G on transcript NM_003924.4 (MANE Select); the canonical splice acceptor site of the intron before coding-DNA position 430, A replaced by G.
Molecular consequence: splice acceptor variant.
Genome position (GRCh38, 1-based): chr4:41,746,324, T>C on the plus strand (A>G on the coding strand, the complement: PHOX2B is on the minus strand). VCF-style: chr4-41746324-T-C. GRCh37 (hg19) VCF-style: chr4-41748341-T-C.
Identifiers: ClinVar variation 1362410 (VCV001362410.8), dbSNP rs2153112822, ClinGen allele CA356738900.
Genomic context (GRCh38, chr4:41,746,324, plus strand): 5'-GCGGCTGCCGCTGCGCGCTCCTGCTTGCGAAACTTGGCGCGGCGGTTCTGGAACCACACC[T>C]GGCCCAAGACGGAAGGAGAGACGGTGAAGCAGGGGGAGAAAGAAGAAAATGGGAAAGAAA-3'